The following is an entry in ClinVar:

NM_000051.4(ATM):c.9081T>C (p.Ser3027=)

Genes: ATM (ATM serine/threonine kinase; plus strand), C11orf65 (chromosome 11 open reading frame 65; minus strand). Cytogenetic location: 11q22.3.
Variant type: single nucleotide variant.
Coding change: c.9081T>C on transcript NM_000051.4 (MANE Select); coding-DNA position 9081, T replaced by C.
Protein change: p.Ser3027=; no amino-acid change (serine 3027 retained).
Molecular consequence: synonymous variant. On other transcripts: intron variant (2).
Genome position (GRCh38, 1-based): chr11:108,365,418, T>C. VCF-style: chr11-108365418-T-C. GRCh37 (hg19) VCF-style: chr11-108236145-T-C.
Other names: c.9081T>C, p.Ser3027= (NM_001351834.2); c.640+20502A>G (NM_001330368.2); c.694+20502A>G (NM_001351110.2).
Identifiers: ClinVar variation 926090 (VCV000926090.13), dbSNP rs2091248229, ClinGen allele CA476745225.

ClinVar aggregate classification (germline): Benign/Likely benign. Review status: criteria provided, multiple submitters, no conflicts (2 of 4 stars). 4 submissions from 4 submitters: Benign (1); Likely benign (3). Last evaluated 2025-12-17.

Conditions:
Hereditary cancer-predisposing syndrome. Also called: Tumor predisposition; Neoplastic Syndromes, Hereditary; Hereditary neoplastic syndrome; Hereditary Cancer Syndrome. Identifiers: Orphanet 140162, MedGen C0027672, MeSH D009386, MONDO:0015356.
Ataxia-telangiectasia syndrome (AT). Also called: Ataxia-telangiectasia, complementation group D; AT, COMPLEMENTATION GROUP C; ATAXIA-TELANGIECTASIA, COMPLEMENTATION GROUP A; ATAXIA-TELANGIECTASIA, FRESNO VARIANT; Ataxia-telangiectasia; Ataxia telangiectasia (A-T). Identifiers: Orphanet 100, MedGen C0004135, MONDO:0008840, OMIM 208900.
Familial cancer of breast. Also called: Hereditary breast cancer; hereditary breast carcinoma; BREAST CANCER, FAMILIAL. Identifiers: Orphanet 227535, MedGen C0346153, MONDO:0016419, OMIM 114480. Disease mechanism: loss of function.

Allele frequency attached by ClinVar (database versions not stated): gnomAD exomes below 0.00001.
gnomAD v4.1: 1 of 1,614,192 alleles (0.000062%); highest among the groups gnomAD compares: South Asian, 0.0011%; no homozygotes.

Submissions (4):

Labcorp Genetics (formerly Invitae), Labcorp
Classification: Likely benign for Ataxia-telangiectasia syndrome. Last evaluated: 2025-12-17. Review status: criteria provided, single submitter. Criteria: Invitae Variant Classification Sherloc (09022015). Collection method: clinical testing. Allele origin: germline.

Myriad Genetics, Inc.
Classification: Benign for Familial cancer of breast. Last evaluated: 2024-06-24. Review status: criteria provided, single submitter. Criteria: Myriad Autosomal Dominant, Autosomal Recessive and X-Linked Classification Criteria (2023). Collection method: clinical testing. Allele origin: unknown.
Comment: This variant is considered benign. This variant is a silent/synonymous amino acid change and it is not expected to impact splicing.

Ambry Genetics
Classification: Likely benign for Hereditary cancer-predisposing syndrome. Last evaluated: 2023-08-02. Review status: criteria provided, single submitter. Criteria: Ambry Variant Classification Scheme 2023. Collection method: clinical testing. Allele origin: germline.

Color Diagnostics, LLC DBA Color Health
Classification: Likely benign for Hereditary cancer-predisposing syndrome. Last evaluated: 2018-12-04. Review status: criteria provided, single submitter. Criteria: ACMG Guidelines, 2015. Collection method: clinical testing. Allele origin: germline.